The following is an entry in ClinVar:

ClinVar aggregate classification (germline): Uncertain significance (1 of 4 stars; one submission).

gnomAD v4.1: 11 of 1,614,078 alleles (0.00068%); highest among the groups gnomAD compares: East Asian, 0.0045%; no homozygotes.

Submission:

Ambry Genetics
Classification: Uncertain significance. Last evaluated: 2025-02-14. Review status: criteria provided, single submitter. Criteria: Ambry Variant Classification Scheme 2023. Collection method: clinical testing. Allele origin: germline.
Comment: The p.Y380C variant (also known as c.1139A>G), located in coding exon 4 of the WNK2 gene, results from an A to G substitution at nucleotide position 1139. The tyrosine at codon 380 is replaced by cysteine, an amino acid with highly dissimilar properties. This amino acid position is conserved. In addition, this alteration is predicted to be deleterious by in silico analysis. Based on the available evidence, the clinical significance of this variant remains unclear.

NM_006648.4(WNK2):c.1139A>G (p.Tyr380Cys)

Gene: WNK2 (WNK lysine deficient protein kinase 2; plus strand). Cytogenetic location: 9q22.31.
Variant type: single nucleotide variant.
Coding change: c.1139A>G on transcript NM_006648.4 (MANE Select); coding-DNA position 1139, A replaced by G.
Protein change: p.Tyr380Cys; replaces tyrosine 380 with cysteine.
Molecular consequence: missense variant.
Genome position (GRCh38, 1-based): chr9:93,234,871, A>G. VCF-style: chr9-93234871-A-G. GRCh37 (hg19) VCF-style: chr9-95997153-A-G.
Other names: c.1139A>G, p.Tyr380Cys (NM_001282394.3); short protein forms Y380C.
Identifiers: ClinVar variation 3333152 (VCV003333152.2).